The following is an entry in ClinVar:

ClinVar aggregate classification (germline): Uncertain significance. Review status: criteria provided, multiple submitters, no conflicts (2 of 4 stars). 3 submissions from 3 submitters: Uncertain significance (3). Last evaluated 2026-06-10.

Allele frequency attached by ClinVar (database versions not stated): gnomAD 0.00014 and 0.00016; TOPMed 0.00014; ESP Exome Variant Server 0.00024.
gnomAD v4.1: 296 of 1,613,852 alleles (0.018%); highest among the groups gnomAD compares: Non-Finnish European, 0.023%; no homozygotes.

Submissions (3):

GeneDx
Classification: Uncertain significance. Last evaluated: 2026-06-10. Review status: criteria provided, single submitter. Criteria: GeneDx Variant Classification Process June 2021. Collection method: clinical testing. Allele origin: germline.
Comment: In silico analysis supports that this missense variant has a deleterious effect on protein structure/function; Has not been previously published as pathogenic or benign to our knowledge

Mayo Clinic Laboratories, Mayo Clinic
Classification: Uncertain significance. Last evaluated: 2025-07-23. Review status: criteria provided, single submitter. Criteria: ACMG Guidelines, 2015. Collection method: clinical testing. Allele origin: germline. Observed: 1 variant allele.
Comment: BP4_moderate

Labcorp Genetics (formerly Invitae), Labcorp
Classification: Uncertain significance. Last evaluated: 2023-12-19. Review status: criteria provided, single submitter. Criteria: Invitae Variant Classification Sherloc (09022015). Collection method: clinical testing. Allele origin: germline.
Comment: This sequence change replaces proline, which is neutral and non-polar, with alanine, which is neutral and non-polar, at codon 172 of the CARMIL2 protein (p.Pro172Ala). This variant is present in population databases (rs200058857, gnomAD 0.02%). This variant has not been reported in the literature in individuals affected with CARMIL2-related conditions. ClinVar contains an entry for this variant (Variation ID: 1023892). Advanced modeling of protein sequence and biophysical properties (such as structural, functional, and spatial information, amino acid conservation, physicochemical variation, residue mobility, and thermodynamic stability) performed at Invitae indicates that this missense variant is not expected to disrupt CARMIL2 protein function with a negative predictive value of 80%. In summary, the available evidence is currently insufficient to determine the role of this variant in disease. Therefore, it has been classified as a Variant of Uncertain Significance.

NM_001013838.3(CARMIL2):c.514C>G (p.Pro172Ala)

Gene: CARMIL2 (capping protein regulator and myosin 1 linker 2; plus strand). Cytogenetic location: 16q22.1.
Variant type: single nucleotide variant.
Coding change: c.514C>G on transcript NM_001013838.3 (MANE Select); coding-DNA position 514, C replaced by G.
Protein change: p.Pro172Ala; replaces proline 172 with alanine.
Molecular consequence: missense variant.
Genome position (GRCh38, 1-based): chr16:67,646,761, C>G. VCF-style: chr16-67646761-C-G. GRCh37 (hg19) VCF-style: chr16-67680664-C-G.
Other names: p.Pro172Ala; c.514C>G, p.Pro172Ala (NM_001317026.3); c.514C>G (NM_001013838.1); short protein forms P172A.
Identifiers: ClinVar variation 1023892 (VCV001023892.7), dbSNP rs200058857, ClinGen allele CA8113093.
Genomic context (GRCh38, chr16:67,646,761, plus strand): 5'-ATCCCCTCCCCAGGTGGCTTCTTGGAGACATACGAGGCTCTGTGTGACTACAATGGCTTC[C>G]CTTTCCGAGAGGAGATTCAGTGGGTGAGGGTAGGGCCCTTTTGAAGGGCTCTGGAGACAT-3'
Protein context (NP_001013860.1, residues 162-182): YEALCDYNGF[Pro172Ala]FREEIQWDVD